The following is an entry in ClinVar:

ClinVar aggregate classification (germline): Likely pathogenic (1 of 4 stars; one submission).

Conditions:
Telangiectasia, hereditary hemorrhagic, type 2 (HHT2). Also called: ACVRL1-Related Hereditary Hemorrhagic Telangiectasia; Telangiectasia, hereditary hemorrhagic, type II. Identifiers: Orphanet 774, MedGen C1838163, MONDO:0010880, OMIM 600376. Disease mechanism: loss of function.

Submission:

Victorian Clinical Genetics Services, Murdoch Childrens Research Institute
Classification: Likely pathogenic for Telangiectasia, hereditary hemorrhagic, type 2. Last evaluated: 2024-10-03. Review status: criteria provided, single submitter. Criteria: ACMG Guidelines, 2015. Collection method: clinical testing. Allele origin: germline. Affected: yes.
Comment: This variant is classified as Likely pathogenic. Evidence in support of pathogenic classification: Variant is absent from gnomAD (both v2 and v3); Missense variant consistently predicted to be damaging by multiple in silico tools or highly conserved with a major amino acid change; Additional information: Variant is predicted to result in a missense amino acid change from tryptophan to cysteine; This variant is heterozygous; This gene is associated with autosomal dominant disease; Previous evidence of pathogenicity for this variant is inconclusive. This variant has been reported as VUS by clinical laboratories in ClinVar; No published segregation evidence has been identified for this variant; No published functional evidence has been identified for this variant; No comparable missense variants have previous evidence for pathogenicity; Variant is located in the annotated protein tyrosine and serine/threonine kinase domain (DECIPHER); Dominant negative and loss of function are known mechanisms of disease in this gene and are associated with hereditary haemorrhagic telangiectasia type 2 (MIM# 600376) (PMID: 16282348; 26176610); Variants in this gene are known to have variable expressivity. Clinical expression is known to be extremely variable and age-dependent (PMID: 19767588).

Literature cited by the submitters: PubMed 19767588; PubMed 16282348.

NM_000020.3(ACVRL1):c.822G>C (p.Trp274Cys)

Gene: ACVRL1 (activin A receptor like type 1; plus strand). Cytogenetic location: 12q13.13.
Variant type: single nucleotide variant.
Coding change: c.822G>C on transcript NM_000020.3 (MANE Select); coding-DNA position 822, G replaced by C.
Protein change: p.Trp274Cys; replaces tryptophan 274 with cysteine.
Molecular consequence: missense variant.
Genome position (GRCh38, 1-based): chr12:51,915,274, G>C. VCF-style: chr12-51915274-G-C. GRCh37 (hg19) VCF-style: chr12-52309058-G-C.
Other names: c.822G>C, p.Trp274Cys (NM_001077401.2, NM_001406487.1, NM_001406488.1 and 1 more transcripts); c.510G>C, p.Trp170Cys (NM_001406490.1, NM_001406491.1, NM_001406492.1 and 2 more transcripts); c.258G>C, p.Trp86Cys (NM_001406495.1); short protein forms W170C, W274C, W86C.
Identifiers: ClinVar variation 3377243 (VCV003377243.3).